The following is an entry in ClinVar:

ClinVar aggregate classification (germline): Likely benign. Review status: criteria provided, multiple submitters, no conflicts (2 of 4 stars). 4 submissions from 4 submitters: Likely benign (4). Last evaluated 2025-10-06.

Allele frequency attached by ClinVar (database versions not stated): TOPMed 0.00003; gnomAD exomes 0.00004; gnomAD 0.00005; ExAC 0.00006.
gnomAD v4.1: 69 of 1,614,040 alleles (0.0043%); highest among the groups gnomAD compares: Middle Eastern, 0.016%; no homozygotes.

Submissions (4):

Labcorp Genetics (formerly Invitae), Labcorp
Classification: Likely benign. Last evaluated: 2025-10-06. Review status: criteria provided, single submitter. Criteria: Invitae Variant Classification Sherloc (09022015). Collection method: clinical testing. Allele origin: germline.

Mayo Clinic Laboratories, Mayo Clinic
Classification: Likely benign. Last evaluated: 2025-03-18. Review status: criteria provided, single submitter. Criteria: ACMG Guidelines, 2015. Collection method: clinical testing. Allele origin: germline. Observed: 1 variant allele.
Comment: BP4, BP7

Blueprint Genetics
Classification: Likely benign. Last evaluated: 2024-08-19. Review status: criteria provided, single submitter. Criteria: ACMG Guidelines, 2015. Collection method: clinical testing. Allele origin: germline.

CeGaT Center for Human Genetics Tuebingen
Classification: Likely benign. Last evaluated: 2024-01-01. Review status: criteria provided, single submitter. Criteria: CeGaT Center For Human Genetics Tuebingen Variant Classification Criteria Version 2. Collection method: clinical testing. Allele origin: germline. Affected: yes. Observed: 1 variant allele.
Comment: ACO2: BP4, BP7

NM_001098.3(ACO2):c.1995C>T (p.Tyr665=)

Genes: ACO2 (aconitase 2; plus strand), POLR3H (RNA polymerase III subunit H; minus strand). Cytogenetic location: 22q13.2.
Variant type: single nucleotide variant.
Coding change: c.1995C>T on transcript NM_001098.3 (MANE Select); coding-DNA position 1995, C replaced by T.
Protein change: p.Tyr665=; no amino-acid change (tyrosine 665 retained).
Molecular consequence: synonymous variant. On other transcripts: 3 prime UTR variant (5).
Genome position (GRCh38, 1-based): chr22:41,527,329, C>T. VCF-style: chr22-41527329-C-T. GRCh37 (hg19) VCF-style: chr22-41923333-C-T.
Other names: p.Tyr665=; c.*1954G>A (NM_001018050.4, NM_001018052.4, NM_001282884.2 and 2 more transcripts).
Identifiers: ClinVar variation 2159146 (VCV002159146.28), dbSNP rs747282200, ClinGen allele CA10257853.